The following is an entry in ClinVar:

NM_001004334.4(GPR179):c.4188A>G (p.Gln1396=)

Gene: GPR179 (G protein-coupled receptor 179; minus strand). Cytogenetic location: 17q12.
Variant type: single nucleotide variant.
Coding change: c.4188A>G on transcript NM_001004334.4 (MANE Select); coding-DNA position 4188, A replaced by G.
Protein change: p.Gln1396=; no amino-acid change (glutamine 1396 retained).
Molecular consequence: synonymous variant.
Genome position (GRCh38, 1-based): chr17:38,329,381, T>C on the plus strand (A>G on the coding strand, the complement: GPR179 is on the minus strand). VCF-style: chr17-38329381-T-C. GRCh37 (hg19) VCF-style: chr17-36485264-T-C.
Other names: c.4188A>G (NM_001004334.3).
Identifiers: ClinVar variation 888733 (VCV000888733.14), dbSNP rs201368251, ClinGen allele CA290104342.
Genomic context (GRCh38, chr17:38,329,381, plus strand): 5'-TTTCCAAAAGGTTGCTTTCCTGGTTTTCTGCTTTTCCTGAGGGAGATCCTTCACTGCCTC[T>C]TGGGCTGGTTTCCCATCCTCGCCTCCTTCACTTGCCTCCCAGGGACACGGCTCTGCCTTG-3'
Protein context (NP_001004334.3, residues 1386-1406): SEGGEDGKPA[Gln1396=]EAVKDLPQEK

ClinVar aggregate classification (germline): Conflicting classifications of pathogenicity. Review status: criteria provided, conflicting classifications (1 of 4 stars). 4 submissions from 4 submitters: Uncertain significance (1); Benign (1); Likely benign (1). 1 of the submissions does not count toward it. Last evaluated 2025-11-24.

Conditions:
GPR179-related disorder. Also called: GPR179-related condition.
Congenital stationary night blindness 1E. Also called: Night blindness, congenital stationary (complete), 1E, autosomal recessive. Identifiers: Orphanet 215, MedGen C3281215, MONDO:0013807, OMIM 614565.

Allele frequency attached by ClinVar (database versions not stated): gnomAD 0.00006; ESP Exome Variant Server 0.00008; TOPMed 0.00008; gnomAD exomes 0.00009 and 0.00016; ExAC 0.00011.

Submissions (4):

Labcorp Genetics (formerly Invitae), Labcorp
Classification: Benign. Last evaluated: 2025-11-24. Review status: criteria provided, single submitter. Criteria: Invitae Variant Classification Sherloc (09022015). Collection method: clinical testing. Allele origin: germline.

Blueprint Genetics
Classification: Likely benign. Last evaluated: 2024-10-23. Review status: criteria provided, single submitter. Criteria: ACMG Guidelines, 2015. Collection method: clinical testing. Allele origin: germline.

Illumina Laboratory Services, Illumina
Classification: Uncertain significance for Congenital stationary night blindness 1E. Last evaluated: 2018-01-13. Review status: criteria provided, single submitter. Criteria: ICSL Variant Classification Criteria 13 December 2019. Collection method: clinical testing. Allele origin: germline.

PreventionGenetics, part of Exact Sciences
Classification: Likely benign for GPR179-related condition. Last evaluated: 2019-06-03. Review status: no assertion criteria provided. Collection method: clinical testing. Allele origin: germline. Not counted in ClinVar's aggregate classification.
Comment: This variant is classified as likely benign based on ACMG/AMP sequence variant interpretation guidelines (Richards et al. 2015 PMID: 25741868, with internal and published modifications).